The following is an entry in ClinVar:

NM_020759.3(STARD9):c.10147A>G (p.Asn3383Asp)

Gene: STARD9 (StAR related lipid transfer domain containing 9; plus strand). Cytogenetic location: 15q15.2.
Variant type: single nucleotide variant.
Coding change: c.10147A>G on transcript NM_020759.3 (MANE Select); coding-DNA position 10147, A replaced by G.
Protein change: p.Asn3383Asp; replaces asparagine 3383 with aspartic acid.
Molecular consequence: missense variant.
Genome position (GRCh38, 1-based): chr15:42,691,725, A>G. VCF-style: chr15-42691725-A-G. GRCh37 (hg19) VCF-style: chr15-42983923-A-G.
Other names: short protein forms N3383D.
Identifiers: ClinVar variation 3060766 (VCV003060766.2), dbSNP rs3742993, ClinGen allele CA7514713.

ClinVar aggregate classification (germline): Benign (0 of 4 stars; one submission).

Conditions:
STARD9-related disorder. Also called: STARD9-related condition.

Allele frequency attached by ClinVar (database versions not stated): gnomAD exomes 0.20010; TOPMed 0.23037; ESP Exome Variant Server 0.24189; 1000 Genomes Project 0.24281; 1000 Genomes Project 30x 0.25062; ExAC 0.29105.
gnomAD v4.1: 313,898 of 1,537,028 alleles (20%); highest among the groups gnomAD compares: South Asian, 37%; 35,480 homozygotes.

Submission:

PreventionGenetics, part of Exact Sciences
Classification: Benign for STARD9-related condition. Last evaluated: 2023-08-09. Review status: no assertion criteria provided. Collection method: clinical testing. Allele origin: germline.
Comment: This variant is classified as benign based on ACMG/AMP sequence variant interpretation guidelines (Richards et al. 2015 PMID: 25741868, with internal and published modifications).